The following is an entry in ClinVar:

NM_024753.5(TTC21B):c.256A>C (p.Asn86His)

Gene: TTC21B (tetratricopeptide repeat domain 21B; minus strand). Cytogenetic location: 2q24.3.
Variant type: single nucleotide variant.
Coding change: c.256A>C on transcript NM_024753.5 (MANE Select); coding-DNA position 256, A replaced by C.
Protein change: p.Asn86His; replaces asparagine 86 with histidine.
Molecular consequence: missense variant.
Genome position (GRCh38, 1-based): chr2:165,949,400, T>G on the plus strand (A>C on the coding strand, the complement: TTC21B is on the minus strand). VCF-style: chr2-165949400-T-G. GRCh37 (hg19) VCF-style: chr2-166805910-T-G.
Other names: short protein forms N86H.
Identifiers: ClinVar variation 894675 (VCV000894675.14), dbSNP rs773555238, ClinGen allele CA1942507.

ClinVar aggregate classification (germline): Conflicting classifications of pathogenicity. Review status: criteria provided, conflicting classifications (1 of 4 stars). 6 submissions from 5 submitters: Uncertain significance (4); Benign (1); Likely benign (1). Last evaluated 2025-01-27.

Conditions:
Asphyxiating thoracic dystrophy 4 (SRTD4). Also called: SHORT-RIB THORACIC DYSPLASIA 4; SHORT-RIB THORACIC DYSPLASIA 4 WITH OR WITHOUT POLYDACTYLY. Identifiers: Orphanet 474, MedGen C3151185, MONDO:0013441, OMIM 613819.
Nephronophthisis 12 (NPHP12). Identifiers: Orphanet 655, MedGen C3151186, MONDO:0013442, OMIM 613820.
Jeune thoracic dystrophy. Also called: Jeune syndrome; Infantile thoracic dystrophy; Thoracic pelvic phalangeal dystrophy; Jeune's syndrome; Chondroectodermal dysplasia-like syndrome; Short-rib thoracic dysplasia. Identifiers: Orphanet 474, MedGen C0265275, MONDO:0018770.
Nephronophthisis. Also called: Juvenile Nephronophthisis. Identifiers: Orphanet 655, MedGen C0687120, MONDO:0019005, HP:0000090.

Allele frequency attached by ClinVar (database versions not stated): gnomAD 0.00001; TOPMed 0.00001; gnomAD exomes 0.00008 and 0.00011; ExAC 0.00009.

Submissions (6):

Labcorp Genetics (formerly Invitae), Labcorp
Classification: Likely benign for Jeune thoracic dystrophy; Nephronophthisis. Last evaluated: 2025-01-27. Review status: criteria provided, single submitter. Criteria: Invitae Variant Classification Sherloc (09022015). Collection method: clinical testing. Allele origin: germline.

Fulgent Genetics
Classification: Uncertain significance for Asphyxiating thoracic dystrophy 4; Nephronophthisis 12. Last evaluated: 2024-01-29. Review status: criteria provided, single submitter. Criteria: ACMG Guidelines, 2015. Collection method: clinical testing. Allele origin: germline.

Blueprint Genetics
Classification: Benign. Last evaluated: 2022-05-19. Review status: criteria provided, single submitter. Criteria: ACMG Guidelines, 2015. Collection method: clinical testing. Allele origin: germline.

Illumina Laboratory Services, Illumina
Classification: Uncertain significance for Nephronophthisis 12. Last evaluated: 2018-01-12. Review status: criteria provided, single submitter. Criteria: ICSL Variant Classification Criteria 13 December 2019. Collection method: clinical testing. Allele origin: germline.

Illumina Laboratory Services, Illumina
Classification: Uncertain significance for Asphyxiating thoracic dystrophy 4. Last evaluated: 2018-01-12. Review status: criteria provided, single submitter. Criteria: ICSL Variant Classification Criteria 13 December 2019. Collection method: clinical testing. Allele origin: germline.

Precision Medicine Center, Zhengzhou University
Classification: Uncertain significance for Nephronophthisis 12. Review status: criteria provided, single submitter. Criteria: ACMG Guidelines, 2015. Collection method: research. Allele origin: germline. Affected: yes.
Comment: BP4:Multiple lines of computational evidence suggest no impact